The following is an entry in ClinVar:

ClinVar aggregate classification (germline): Uncertain significance (1 of 4 stars; one submission).

Conditions:
Joubert syndrome. Also called: CEREBELLOPARENCHYMAL DISORDER IV; JOUBERT-BOLTSHAUSER SYNDROME; Familial aplasia of the vermis. Identifiers: Orphanet 475, MedGen C5979921, MONDO:0018772.

Submission:

Labcorp Genetics (formerly Invitae), Labcorp
Classification: Uncertain significance for Joubert syndrome. Last evaluated: 2024-02-24. Review status: criteria provided, single submitter. Criteria: Invitae Variant Classification Sherloc (09022015). Collection method: clinical testing. Allele origin: germline.
Comment: This sequence change replaces valine, which is neutral and non-polar, with methionine, which is neutral and non-polar, at codon 432 of the INPP5E protein (p.Val432Met). This variant is not present in population databases (gnomAD no frequency). This variant has not been reported in the literature in individuals affected with INPP5E-related conditions. ClinVar contains an entry for this variant (Variation ID: 2062394). Advanced modeling of protein sequence and biophysical properties (such as structural, functional, and spatial information, amino acid conservation, physicochemical variation, residue mobility, and thermodynamic stability) performed at Invitae indicates that this missense variant is expected to disrupt INPP5E protein function with a positive predictive value of 95%. In summary, the available evidence is currently insufficient to determine the role of this variant in disease. Therefore, it has been classified as a Variant of Uncertain Significance.

NM_019892.6(INPP5E):c.1294G>A (p.Val432Met)

Gene: INPP5E (inositol polyphosphate-5-phosphatase E; minus strand). Cytogenetic location: 9q34.3.
Variant type: single nucleotide variant.
Coding change: c.1294G>A on transcript NM_019892.6 (MANE Select); coding-DNA position 1294, G replaced by A.
Protein change: p.Val432Met; replaces valine 432 with methionine.
Molecular consequence: missense variant.
Genome position (GRCh38, 1-based): chr9:136,432,572, C>T on the plus strand (G>A on the coding strand, the complement: INPP5E is on the minus strand). VCF-style: chr9-136432572-C-T. GRCh37 (hg19) VCF-style: chr9-139327024-C-T.
Other names: c.1291G>A, p.Val431Met (NM_001318502.2); short protein forms V431M, V432M.
Identifiers: ClinVar variation 2062394 (VCV002062394.4), dbSNP rs1199320637, ClinGen allele CA375563634.